The following is an entry in ClinVar:

ClinVar aggregate classification (germline): Benign/Likely benign. Review status: criteria provided, multiple submitters, no conflicts (2 of 4 stars). 3 submissions from 3 submitters: Benign (1); Likely benign (1). 1 of the submissions does not count toward it. Last evaluated 2025-12-02.

Conditions:
SUN1-related disorder. Also called: SUN1-related condition.
Emery-Dreifuss muscular dystrophy (EDMD). Also called: Scapuloperoneal syndrome, X-linked (formerly); Humeroperoneal neuromuscular disease, (formerly). Identifiers: Orphanet 261, MedGen C0410189, MONDO:0016830.

Allele frequency attached by ClinVar (database versions not stated): 1000 Genomes Project 30x 0.00141; gnomAD 0.00147 and 0.00158; ESP Exome Variant Server 0.00153; 1000 Genomes Project 0.00160; TOPMed 0.00192; gnomAD exomes 0.00017 and 0.00042; ExAC 0.00094.

Submissions (6):

Labcorp Genetics (formerly Invitae), Labcorp
Classification: Benign for Emery-Dreifuss muscular dystrophy. Last evaluated: 2025-12-02. Review status: criteria provided, single submitter. Criteria: Invitae Variant Classification Sherloc (09022015). Collection method: clinical testing. Allele origin: germline.

Mayo Clinic Laboratories, Mayo Clinic
Classification: Likely benign. Last evaluated: 2025-05-27. Review status: criteria provided, single submitter. Criteria: ACMG Guidelines, 2015. Collection method: clinical testing. Allele origin: germline. Observed: 1 variant allele.
Comment: BP4, BP7

PreventionGenetics, part of Exact Sciences
Classification: Likely benign for SUN1-related condition. Last evaluated: 2019-05-02. Review status: no assertion criteria provided. Collection method: clinical testing. Allele origin: germline. Not counted in ClinVar's aggregate classification.
Comment: This variant is classified as likely benign based on ACMG/AMP sequence variant interpretation guidelines (Richards et al. 2015 PMID: 25741868, with internal and published modifications).

Dr. Peter K. Rogan Lab, Western University
No classification provided (evidence only). Condition: Familial cancer of breast. Review status: no classification provided. Collection method: in vitro. Allele origin: not applicable. Functional consequence: retained intron. Not counted in ClinVar's aggregate classification.

Dr. Peter K. Rogan Lab, Western University
No classification provided (evidence only). Condition: Malignant tumor of esophagus. Review status: no classification provided. Collection method: in vitro. Allele origin: not applicable. Functional consequence: retained intron. Not counted in ClinVar's aggregate classification.

Dr. Peter K. Rogan Lab, Western University
No classification provided (evidence only). Condition: Clear cell carcinoma of kidney. Review status: no classification provided. Collection method: in vitro. Allele origin: not applicable. Functional consequence: retained intron. Not counted in ClinVar's aggregate classification.

NM_001130965.3(SUN1):c.2239C>T (p.Leu747=)

Gene: SUN1 (Sad1 and UNC84 domain containing 1; plus strand). Cytogenetic location: 7p22.3.
Variant type: single nucleotide variant.
Coding change: c.2239C>T on transcript NM_001130965.3 (MANE Select); coding-DNA position 2239, C replaced by T.
Protein change: p.Leu747=; no amino-acid change (leucine 747 retained).
Molecular consequence: synonymous variant. On other transcripts: non-coding transcript variant (3), intron variant (12).
Genome position (GRCh38, 1-based): chr7:872,560, C>T. VCF-style: chr7-872560-C-T. GRCh37 (hg19) VCF-style: chr7-912197-C-T.
Other names: p.Leu747=; c.1930C>T, p.Leu644= (NM_001171944.2); c.2239C>T, p.Leu747= (NM_001367633.1, NM_001367634.1); c.1888C>T, p.Leu630= (NM_001367635.1); c.2347C>T, p.Leu783= (NM_001367638.1); c.1780C>T, p.Leu594= (NM_001367639.1); c.2419C>T, p.Leu807= (NM_001367640.1); c.2521C>T, p.Leu841= (NM_001367641.1); and 56 more.
Identifiers: ClinVar variation 461653 (VCV000461653.16), dbSNP rs143543329, ClinGen allele CA4112526.